The following is an entry in ClinVar:

ClinVar aggregate classification (germline): Pathogenic (1 of 4 stars; one submission).

Conditions:
El Hayek-Chahrour neurodevelopmental disorder. Also called: EL HAYEK-CHAHROUR NEURODEVELOPMENTAL SYNDROME; NEURODEVELOPMENTAL DISORDER WITH ABSENT SPEECH, IMPAIRED INTELLECTUAL DEVELOPMENT, AND AUTISM. Identifiers: MedGen C5935620, MONDO:0970951, OMIM 620820.

gnomAD v4.1: 1 of 1,614,176 alleles (0.000062%); highest among the groups gnomAD compares: Non-Finnish European, 0.000085%; no homozygotes.

Submission:

Women's Health and Genetics/Laboratory Corporation of America, LabCorp
Classification: Pathogenic for El Hayek-Chahrour neurodevelopmental disorder. Last evaluated: 2024-07-08. Review status: criteria provided, single submitter. Criteria: LabCorp Variant Classification Summary - May 2015. Collection method: clinical testing. Allele origin: germline.
Comment: Variant summary: KDM5A c.2494C>T (p.Gln832X) results in a premature termination codon, predicted to cause a truncation of the encoded protein or absence of the protein due to nonsense mediated decay, which are commonly known mechanisms for disease. The variant allele was found at a frequency of 4e-06 in 249574 control chromosomes. To our knowledge, no occurrence of c.2494C>T in individuals affected with El Hayek-Chahrour Neurodevelopmental Syndrome and no experimental evidence demonstrating its impact on protein function have been reported. No submitters have cited clinical-significance assessments for this variant to ClinVar. Based on the evidence outlined above, the variant was classified as pathogenic.

NM_001042603.3(KDM5A):c.2494C>T (p.Gln832Ter)

Gene: KDM5A (lysine demethylase 5A; minus strand). Cytogenetic location: 12p13.33.
Variant type: single nucleotide variant.
Coding change: c.2494C>T on transcript NM_001042603.3 (MANE Select); coding-DNA position 2494, C replaced by T.
Protein change: p.Gln832Ter; replaces glutamine 832 with a stop codon.
Molecular consequence: nonsense.
Genome position (GRCh38, 1-based): chr12:321,042, G>A on the plus strand (C>T on the coding strand, the complement: KDM5A is on the minus strand). VCF-style: chr12-321042-G-A. GRCh37 (hg19) VCF-style: chr12-430208-G-A.
Other names: short protein forms Q832*.
Identifiers: ClinVar variation 3339065 (VCV003339065.1).